The following is an entry in ClinVar:

ClinVar aggregate classification (germline): Uncertain significance (1 of 4 stars; one submission).

Conditions:
Hereditary pancreatitis (PCTT). Also called: Hereditary chronic pancreatitis; PRSS1-Related Hereditary Pancreatitis. Identifiers: Orphanet 676, MedGen C0238339, MONDO:0008185, OMIM 167800.

Submission:

Ambry Genetics
Classification: Uncertain significance for Hereditary pancreatitis. Last evaluated: 2024-12-07. Review status: criteria provided, single submitter. Criteria: Ambry Variant Classification Scheme 2023. Collection method: clinical testing. Allele origin: germline.
Comment: The p.N246K variant (also known as c.738T>G), located in coding exon 5 of the PRSS1 gene, results from a T to G substitution at nucleotide position 738. The asparagine at codon 246 is replaced by lysine, an amino acid with similar properties. This amino acid position is conserved. In addition, this alteration is predicted to be tolerated by in silico analysis. Since supporting evidence is limited at this time, the clinical significance of this alteration remains unclear.

NM_002769.5(PRSS1):c.738T>G (p.Asn246Lys)

Genes: TRB (T cell receptor beta locus; plus strand), PRSS1 (serine protease 1; plus strand). Cytogenetic location: 7q34.
Variant type: single nucleotide variant.
Coding change: c.738T>G on transcript NM_002769.5 (MANE Select); coding-DNA position 738, T replaced by G.
Protein change: p.Asn246Lys; replaces asparagine 246 with lysine.
Molecular consequence: missense variant. On other transcripts: non-coding transcript variant (5).
Genome position (GRCh38, 1-based): chr7:142,753,014, T>G. VCF-style: chr7-142753014-T-G. GRCh37 (hg19) VCF-style: chr7-142460865-T-G.
Other names: short protein forms N246K.
Identifiers: ClinVar variation 1758663 (VCV001758663.3), dbSNP rs6667, ClinGen allele CA369611146.
Genomic context (GRCh38, chr7:142,753,014, plus strand): 5'-TGGAGTCTACACCAAGGTCTACAACTATGTGAAATGGATTAAGAACACCATAGCTGCCAA[T>G]AGCTAAAGCCCCCAGTATCTCTTCAGTCTCTATACCAATAAAGTGACCCTGTTCTCACTG-3'
Protein context (NP_002760.1, residues 236-247): VKWIKNTIAA[Asn246Lys]S